The following is an entry in ClinVar:

NC_000001.11:g.(?_215837991)_(215844496_?)dup

Gene: USH2A (usherin; minus strand). Cytogenetic location: 1q41.
Variant type: Duplication.
Identifiers: ClinVar variation 830964 (VCV000830964.7).

ClinVar aggregate classification (germline): Pathogenic (1 of 4 stars; one submission).

Submission:

Labcorp Genetics (formerly Invitae), Labcorp
Classification: Pathogenic. Last evaluated: 2022-11-08. Review status: criteria provided, single submitter. Criteria: Invitae Variant Classification Sherloc (09022015). Collection method: clinical testing. Allele origin: germline.
Comment: For these reasons, this variant has been classified as Pathogenic. A similar copy number variant has been observed in individuals with Usher syndrome (PMID: 30190494; Invitae). This variant results in a copy number gain of the genomic region encompassing exon(s) 46-47 of the USH2A gene. While the exact position of this variant cannot be determined from the data, sub-genic copy number gains are generally in tandem (PMID: 25640679). This variant is predicted to be out-of-frame, and may result in an absent or disrupted protein product. Loss-of-function variants in USH2A are known to be pathogenic (PMID: 10729113, 10909849, 20507924, 25649381).

Literature cited by the submitters: PubMed 30190494; PubMed 25640679; PubMed 10729113; PubMed 10909849; PubMed 20507924; PubMed 25649381.